The following is an entry in ClinVar:

ClinVar aggregate classification (germline): Uncertain significance. Review status: criteria provided, multiple submitters, no conflicts (2 of 4 stars). 7 submissions from 7 submitters: Uncertain significance (7). Last evaluated 2026-10-14.

Conditions:
Familial hypercholesterolemia. Also called: Familial hypercholesterolemias; Familial hypercholesterolaemia. Identifiers: MedGen C0020445, MONDO:0005439.
Cardiovascular phenotype. Identifiers: MedGen CN230736.
Hypercholesterolemia, autosomal dominant, 3 (FHCL3). Also called: Familial Hypercholesterolemia, Autosomal Dominant, 3; PCSK9-Related Familial Hypercholesterolemia, Autosomal Dominant; Familial hypercholesterolemia 3. Identifiers: MedGen C1863551, MONDO:0011369, OMIM 603776.

Allele frequency attached by ClinVar (database versions not stated): gnomAD exomes 0.00001 and below 0.00001; TOPMed 0.00001.

Submissions (7):

GeneDx
Classification: Uncertain significance. Last evaluated: 2026-10-14. Review status: criteria provided, single submitter. Criteria: GeneDx Variant Classification Process June 2021. Collection method: clinical testing. Allele origin: germline.
Comment: Not observed at significant frequency in large population cohorts (gnomAD); In silico analysis suggests that this missense variant does not alter protein structure/function; Has not been previously published as pathogenic or benign to our knowledge

Labcorp Genetics (formerly Invitae), Labcorp
Classification: Uncertain significance for Hypercholesterolemia, autosomal dominant, 3. Last evaluated: 2026-01-07. Review status: criteria provided, single submitter. Criteria: Invitae Variant Classification Sherloc (09022015). Collection method: clinical testing. Allele origin: germline.
Comment: This sequence change replaces valine, which is neutral and non-polar, with alanine, which is neutral and non-polar, at codon 280 of the PCSK9 protein (p.Val280Ala). This variant is present in population databases (no rsID available, gnomAD 0.006%). This variant has not been reported in the literature in individuals affected with PCSK9-related conditions. ClinVar contains an entry for this variant (Variation ID: 923825). Invitae Evidence Modeling of protein sequence and biophysical properties (such as structural, functional, and spatial information, amino acid conservation, physicochemical variation, residue mobility, and thermodynamic stability) indicates that this missense variant is not expected to disrupt PCSK9 protein function with a negative predictive value of 95%. In summary, the available evidence is currently insufficient to determine the role of this variant in disease. Therefore, it has been classified as a Variant of Uncertain Significance.

Women's Health and Genetics/Laboratory Corporation of America, LabCorp
Classification: Uncertain significance. Last evaluated: 2024-07-21. Review status: criteria provided, single submitter. Criteria: LabCorp Variant Classification Summary - May 2015. Collection method: clinical testing. Allele origin: germline.

Ambry Genetics
Classification: Uncertain significance for Cardiovascular phenotype. Last evaluated: 2024-06-23. Review status: criteria provided, single submitter. Criteria: Ambry Variant Classification Scheme 2023. Collection method: clinical testing. Allele origin: germline.
Comment: The p.V280A variant (also known as c.839T>C), located in coding exon 6 of the PCSK9 gene, results from a T to C substitution at nucleotide position 839. The valine at codon 280 is replaced by alanine, an amino acid with similar properties. This amino acid position is poorly conserved in available vertebrate species. In addition, this alteration is predicted to be tolerated by in silico analysis. Since supporting evidence is limited at this time, the clinical significance of this alteration remains unclear.

Color Diagnostics, LLC DBA Color Health
Classification: Uncertain significance for Familial hypercholesterolemia. Last evaluated: 2024-03-06. Review status: criteria provided, single submitter. Criteria: ACMG Guidelines, 2015. Collection method: clinical testing. Allele origin: germline.
Comment: This missense variant replaces valine with alanine at codon 280 of the PCSK9 protein. Computational prediction suggests that this variant may not impact protein structure and function (internally defined REVEL score threshold <= 0.5, PMID: 27666373). To our knowledge, functional studies have not been reported for this variant. This variant has not been reported in individuals affected with PCSK9-related disorders in the literature. This variant has been identified in 3/243134 chromosomes in the general population by the Genome Aggregation Database (gnomAD). The available evidence is insufficient to determine the role of this variant in disease conclusively. Therefore, this variant is classified as a Variant of Uncertain Significance.

ARUP Laboratories, Molecular Genetics and Genomics, ARUP Laboratories
Classification: Uncertain significance. Last evaluated: 2024-01-23. Review status: criteria provided, single submitter. Criteria: ARUP Molecular Germline Variant Investigation Process 2024. Collection method: clinical testing. Allele origin: germline.
Comment: The PCSK9 c.839T>C; p.Val280Ala variant (rs1000735676), to our knowledge, is not reported in the medical literature but is reported in ClinVar (Variation ID: 923825). This variant is only observed on three alleles in the Genome Aggregation Database (v2.1.1), indicating it is not a common polymorphism. Computational analyses predict that this variant is neutral (REVEL: 0.144). Due to limited information, the clinical significance of this variant is uncertain at this time.

All of Us Research Program, National Institutes of Health
Classification: Uncertain significance for Hypercholesterolemia, autosomal dominant, 3. Last evaluated: 2023-10-02. Review status: criteria provided, single submitter. Criteria: ACMG Guidelines, 2015. Collection method: clinical testing. Allele origin: germline. Inheritance: Autosomal dominant inheritance. Observed: 1 variant allele, 1 heterozygote.
Comment: Variant of Uncertain Significance due to insufficient evidence: This missense variant is located in the catalytic peptidase domain of the PCSK9 protein. Computational prediction tools and conservation analyses suggest that this variant may not impact the protein function. Computational splicing tools suggest that this variant may not impact RNA splicing. To our knowledge, functional assays have not been performed for this variant nor has this variant been reported in individuals affected with familial hypercholesterolemia in the literature. This variant has been identified in 2/238860 chromosomes in the general population by the Genome Aggregation Database (gnomAD). Available evidence is insufficient to determine the pathogenicity of this variant conclusively.

This study involves interpretation of variants in research participants for the purpose of population health screening. Participant phenotype was not available at the time of variant classification. Additional details can be found in publication PMID: 35346344, PMCID: PMC8962531

NM_174936.4(PCSK9):c.839T>C (p.Val280Ala)

Gene: PCSK9 (proprotein convertase subtilisin/kexin type 9; plus strand). Cytogenetic location: 1p32.3.
Variant type: single nucleotide variant.
Coding change: c.839T>C on transcript NM_174936.4 (MANE Select); coding-DNA position 839, T replaced by C.
Protein change: p.Val280Ala; replaces valine 280 with alanine.
Molecular consequence: missense variant.
Genome position (GRCh38, 1-based): chr1:55,056,032, T>C. VCF-style: chr1-55056032-T-C. GRCh37 (hg19) VCF-style: chr1-55521705-T-C.
Other names: c.962T>C, p.Val321Ala (NM_001407240.1); c.839T>C, p.Val280Ala (NM_001407241.1, NM_001407244.1, NM_001407247.1); c.842T>C, p.Val281Ala (NM_001407242.1); c.782T>C, p.Val261Ala (NM_001407243.1); c.647T>C, p.Val216Ala (NM_001407245.1); c.464T>C, p.Val155Ala (NM_001407246.1); short protein forms V280A, V281A, V321A, V216A, V155A, V261A.
Identifiers: ClinVar variation 923825 (VCV000923825.17), dbSNP rs1000735676, ClinGen allele CA22762688.